The following is an entry in ClinVar:

ClinVar aggregate classification (germline): Uncertain significance. Review status: criteria provided, multiple submitters, no conflicts (2 of 4 stars). 3 submissions from 3 submitters: Uncertain significance (3). Last evaluated 2026-04-08.

Conditions:
Alport syndrome. Also called: Hemorrhagic familial nephritis; Hemorrhagic hereditary nephritis; Congenital hereditary hematuria. Identifiers: Orphanet 63, MedGen C1567741, MONDO:0018965.

Allele frequency attached by ClinVar (database versions not stated): TOPMed below 0.00001.

Submissions (3):

Myriad Genetics, Inc.
Classification: Uncertain significance for Alport syndrome. Last evaluated: 2026-04-08. Review status: criteria provided, single submitter. Criteria: Myriad Autosomal Dominant, Autosomal Recessive and X-Linked Classification Criteria (2023). Collection method: clinical testing. Allele origin: unknown.
Comment: NM_000092.4(COL4A4):c.2224G>A(G742R) is a missense variant classified as a variant of uncertain significance in the context of Alport syndrome, COL4A4-related. G742R has not been observed in cases with relevant disease. Relevant functional assessments of this variant are not available in the literature. G742R has not been observed in referenced population frequency databases. In summary, there is insufficient evidence to classify NM_000092.4(COL4A4):c.2224G>A(G742R) as pathogenic or benign. Please note: this variant was assessed in the context of healthy population screening.

Labcorp Genetics (formerly Invitae), Labcorp
Classification: Uncertain significance. Last evaluated: 2022-08-28. Review status: criteria provided, single submitter. Criteria: Invitae Variant Classification Sherloc (09022015). Collection method: clinical testing. Allele origin: germline.
Comment: In summary, the available evidence is currently insufficient to determine the role of this variant in disease. Therefore, it has been classified as a Variant of Uncertain Significance. Advanced modeling of protein sequence and biophysical properties (such as structural, functional, and spatial information, amino acid conservation, physicochemical variation, residue mobility, and thermodynamic stability) performed at Invitae indicates that this missense variant is expected to disrupt COL4A4 protein function. This variant has not been reported in the literature in individuals affected with COL4A4-related conditions. This variant is not present in population databases (gnomAD no frequency). This sequence change replaces glycine, which is neutral and non-polar, with arginine, which is basic and polar, at codon 742 of the COL4A4 protein (p.Gly742Arg).

Breakthrough Genomics
Classification: Uncertain significance. Review status: criteria provided, single submitter. Criteria: ACMG Guidelines, 2015. Collection method: not provided. Allele origin: germline. Inheritance: Autosomal recessive inheritance. Affected: yes.

NM_000092.5(COL4A4):c.2224G>A (p.Gly742Arg)

Gene: COL4A4 (collagen type IV alpha 4 chain; minus strand). Cytogenetic location: 2q36.3.
Variant type: single nucleotide variant.
Coding change: c.2224G>A on transcript NM_000092.5 (MANE Select); coding-DNA position 2224, G replaced by A.
Protein change: p.Gly742Arg; replaces glycine 742 with arginine.
Molecular consequence: missense variant.
Genome position (GRCh38, 1-based): chr2:227,059,564, C>T on the plus strand (G>A on the coding strand, the complement: COL4A4 is on the minus strand). VCF-style: chr2-227059564-C-T. GRCh37 (hg19) VCF-style: chr2-227924280-C-T.
Other names: short protein forms G742R.
Identifiers: ClinVar variation 1924791 (VCV001924791.7), dbSNP rs1976358687, ClinGen allele CA350842122.